The following is an entry in ClinVar:

ClinVar aggregate classification (germline): Uncertain significance (1 of 4 stars; one submission).

Allele frequency attached by ClinVar (database versions not stated): gnomAD 0.00001; TOPMed below 0.00001; gnomAD exomes 0.00001.
gnomAD v4.1: 5 of 1,613,826 alleles (0.00031%); highest among the groups gnomAD compares: Admixed American, 0.0083%; no homozygotes.

Submission:

Labcorp Genetics (formerly Invitae), Labcorp
Classification: Uncertain significance. Last evaluated: 2021-03-29. Review status: criteria provided, single submitter. Criteria: Invitae Variant Classification Sherloc (09022015). Collection method: clinical testing. Allele origin: germline.
Comment: This variant has not been reported in the literature in individuals with FAM20A-related conditions. Nucleotide substitutions within the consensus splice site are a relatively common cause of aberrant splicing (PMID: 17576681, 9536098). Algorithms developed to predict the effect of sequence changes on RNA splicing suggest that this variant is not likely to affect RNA splicing, but this prediction has not been confirmed by published transcriptional studies. In summary, the available evidence is currently insufficient to determine the role of this variant in disease. Therefore, it has been classified as a Variant of Uncertain Significance. This variant is not present in population databases (ExAC no frequency). This sequence change falls in intron 5 of the FAM20A gene. It does not directly change the encoded amino acid sequence of the FAM20A protein. It affects a nucleotide within the consensus splice site of the intron.

Literature cited by the submitters: PubMed 17576681; PubMed 9536098.

NM_017565.4(FAM20A):c.812+4G>C

Genes: FAM20A (FAM20A golgi associated secretory pathway pseudokinase; minus strand), PRKAR1A (protein kinase cAMP-dependent type I regulatory subunit alpha; plus strand). Cytogenetic location: 17q24.2.
Variant type: single nucleotide variant.
Coding change: c.812+4G>C on transcript NM_017565.4 (MANE Select); 4 bases into the intron after coding-DNA position 812, G replaced by C.
Molecular consequence: intron variant.
Genome position (GRCh38, 1-based): chr17:68,543,625, C>G on the plus strand (G>C on the coding strand, the complement: FAM20A is on the minus strand). VCF-style: chr17-68543625-C-G. GRCh37 (hg19) VCF-style: chr17-66539766-C-G.
Other names: c.974-7459C>G (NM_001276290.1); c.398+4G>C (NM_001243746.2).
Identifiers: ClinVar variation 1477848 (VCV001477848.6), dbSNP rs1452276380, ClinGen allele CA501529522.